The following is an entry in ClinVar:

NM_001363118.2(SLC52A2):c.63G>T (p.Met21Ile)

Gene: SLC52A2 (solute carrier family 52 member 2; plus strand). Cytogenetic location: 8q24.3.
Variant type: single nucleotide variant.
Coding change: c.63G>T on transcript NM_001363118.2 (MANE Select); coding-DNA position 63, G replaced by T.
Protein change: p.Met21Ile; replaces methionine 21 with isoleucine.
Molecular consequence: missense variant.
Genome position (GRCh38, 1-based): chr8:144,359,356, G>T. VCF-style: chr8-144359356-G-T. GRCh37 (hg19) VCF-style: chr8-145583016-G-T.
Other names: p.Met21Ile; c.63G>T, p.Met21Ile (NM_001253815.2, NM_001253816.2, NM_001363120.2 and 3 more transcripts); short protein forms M21I.
Identifiers: ClinVar variation 473206 (VCV000473206.9), dbSNP rs764635442, ClinGen allele CA4938078.

ClinVar aggregate classification (germline): Uncertain significance. Review status: criteria provided, multiple submitters, no conflicts (2 of 4 stars). 3 submissions from 3 submitters: Uncertain significance (3). Last evaluated 2025-09-30.

Conditions:
Brown-Vialetto-van Laere syndrome 2. Also called: Riboflavin transporter deficiency type 2; SPINOCEREBELLAR ATAXIA WITH BLINDNESS AND DEAFNESS 2. Identifiers: Orphanet 572543, Orphanet 97229, MedGen C3553538, MONDO:0013867, OMIM 614707.

Allele frequency attached by ClinVar (database versions not stated): ExAC 0.00002; gnomAD exomes 0.00004 and 0.00005; TOPMed 0.00004; gnomAD 0.00004.

Submissions (3):

Mayo Clinic Laboratories, Mayo Clinic
Classification: Uncertain significance. Last evaluated: 2025-09-30. Review status: criteria provided, single submitter. Criteria: ACMG Guidelines, 2015. Collection method: clinical testing. Allele origin: germline. Observed: 1 variant allele.

Labcorp Genetics (formerly Invitae), Labcorp
Classification: Uncertain significance for Brown-Vialetto-van Laere syndrome 2. Last evaluated: 2025-09-04. Review status: criteria provided, single submitter. Criteria: Invitae Variant Classification Sherloc (09022015). Collection method: clinical testing. Allele origin: germline.
Comment: This sequence change replaces methionine, which is neutral and non-polar, with isoleucine, which is neutral and non-polar, at codon 21 of the SLC52A2 protein (p.Met21Ile). This variant is present in population databases (rs764635442, gnomAD 0.01%). This variant has not been reported in the literature in individuals affected with SLC52A2-related conditions. ClinVar contains an entry for this variant (Variation ID: 473206). Invitae Evidence Modeling of protein sequence and biophysical properties (such as structural, functional, and spatial information, amino acid conservation, physicochemical variation, residue mobility, and thermodynamic stability) has been performed for this missense variant. However, the output from this modeling did not meet the statistical confidence thresholds required to predict the impact of this variant on SLC52A2 protein function. In summary, the available evidence is currently insufficient to determine the role of this variant in disease. Therefore, it has been classified as a Variant of Uncertain Significance.

Blueprint Genetics
Classification: Uncertain significance. Last evaluated: 2024-04-11. Review status: criteria provided, single submitter. Criteria: ACMG Guidelines, 2015. Collection method: clinical testing. Allele origin: germline.